The following is an entry in ClinVar:

NM_017780.4(CHD7):c.4547C>T (p.Ala1516Val)

Gene: CHD7 (chromodomain helicase DNA binding protein 7; plus strand). Cytogenetic location: 8q12.2.
Variant type: single nucleotide variant.
Coding change: c.4547C>T on transcript NM_017780.4 (MANE Select); coding-DNA position 4547, C replaced by T.
Protein change: p.Ala1516Val; replaces alanine 1516 with valine.
Molecular consequence: missense variant. On other transcripts: intron variant (1).
Genome position (GRCh38, 1-based): chr8:60,841,657, C>T. VCF-style: chr8-60841657-C-T. GRCh37 (hg19) VCF-style: chr8-61754216-C-T.
Other names: c.1717-20572C>T (NM_001316690.1); short protein forms A1516V.
Identifiers: ClinVar variation 2505812 (VCV002505812.1), dbSNP rs2487942754, ClinGen allele CA371318515.

ClinVar aggregate classification (germline): Uncertain significance (1 of 4 stars; one submission).

Submission:

GeneDx
Classification: Uncertain significance. Last evaluated: 2022-12-16. Review status: criteria provided, single submitter. Criteria: GeneDx Variant Classification Process June 2021. Collection method: clinical testing. Allele origin: germline. Affected: yes.
Comment: Not observed at significant frequency in large population cohorts (gnomAD); In silico analysis supports that this missense variant has a deleterious effect on protein structure/function; Has not been previously published as pathogenic or benign to our knowledge